The following is an entry in ClinVar:

ClinVar aggregate classification (germline): Benign/Likely benign. Review status: criteria provided, multiple submitters, no conflicts (2 of 4 stars). 5 submissions from 5 submitters: Benign (1); Likely benign (3). 1 of the submissions does not count toward it. Last evaluated 2025-09-05.

Conditions:
Multicentric osteolysis nodulosis arthropathy spectrum. Identifiers: Orphanet 3460, Orphanet 371428, MedGen C1850155, MONDO:0018298.
MMP2-related disorder. Also called: MMP2-related condition.

Allele frequency attached by ClinVar (database versions not stated): gnomAD 0.00022 and 0.00023; TOPMed 0.00033; gnomAD exomes 0.00034; ExAC 0.00043; 1000 Genomes Project 30x 0.00078; 1000 Genomes Project 0.00080.
gnomAD v4.1: 238 of 1,609,554 alleles (0.015%); highest among the groups gnomAD compares: East Asian, 0.33%; 1 homozygote.

Submissions (5):

Labcorp Genetics (formerly Invitae), Labcorp
Classification: Benign. Last evaluated: 2025-09-05. Review status: criteria provided, single submitter. Criteria: Invitae Variant Classification Sherloc (09022015). Collection method: clinical testing. Allele origin: germline.

Blueprint Genetics
Classification: Likely benign. Last evaluated: 2024-09-24. Review status: criteria provided, single submitter. Criteria: ACMG Guidelines, 2015. Collection method: clinical testing. Allele origin: germline.

CeGaT Center for Human Genetics Tuebingen
Classification: Likely benign. Last evaluated: 2024-03-01. Review status: criteria provided, single submitter. Criteria: CeGaT Center For Human Genetics Tuebingen Variant Classification Criteria Version 2. Collection method: clinical testing. Allele origin: germline. Affected: yes. Observed: 1 variant allele.
Comment: MMP2: BP4, BP7

Illumina Laboratory Services, Illumina
Classification: Likely benign for Multicentric osteolysis, nodulosis, and arthropathy. Last evaluated: 2018-01-13. Review status: criteria provided, single submitter. Criteria: ICSL Variant Classification Criteria 13 December 2019. Collection method: clinical testing. Allele origin: germline.
Comment: This variant was observed in the ICSL laboratory as part of a predisposition screen in an ostensibly healthy population. It had not been previously curated by ICSL or reported in the Human Gene Mutation Database (HGMD: prior to June 1st, 2018), and was therefore a candidate for classification through an automated scoring system. Utilizing variant allele frequency, disease prevalence and penetrance estimates, and inheritance mode, an automated score was calculated to assess if this variant is too frequent to cause the disease. Based on the score and internal cut-off values, a variant classified as likely benign is not then subjected to further curation. The score for this variant resulted in a classification of likely benign for this disease.

PreventionGenetics, part of Exact Sciences
Classification: Likely benign for MMP2-related condition. Last evaluated: 2019-07-30. Review status: no assertion criteria provided. Collection method: clinical testing. Allele origin: germline. Not counted in ClinVar's aggregate classification.
Comment: This variant is classified as likely benign based on ACMG/AMP sequence variant interpretation guidelines (Richards et al. 2015 PMID: 25741868, with internal and published modifications).

NM_004530.6(MMP2):c.51C>T (p.Leu17=)

Gene: MMP2 (matrix metallopeptidase 2; plus strand). Cytogenetic location: 16q12.2.
Variant type: single nucleotide variant.
Coding change: c.51C>T on transcript NM_004530.6 (MANE Select); coding-DNA position 51, C replaced by T.
Protein change: p.Leu17=; no amino-acid change (leucine 17 retained).
Molecular consequence: synonymous variant. On other transcripts: intron variant (1).
Genome position (GRCh38, 1-based): chr16:55,479,530, C>T. VCF-style: chr16-55479530-C-T. GRCh37 (hg19) VCF-style: chr16-55513442-C-T.
Other names: c.-76+565C>T (NM_001302508.1).
Identifiers: ClinVar variation 319746 (VCV000319746.39), dbSNP rs41503347, ClinGen allele CA8059964.
Genomic context (GRCh38, chr16:55,479,530, plus strand): 5'-GAGCGCTACGATGGAGGCGCTAATGGCCCGGGGCGCGCTCACGGGTCCCCTGAGGGCGCT[C>T]TGTCTCCTGGGCTGCCTGCTGAGCCACGCCGCCGCCGCGCCGTCGCCCATCATCAAGTTC-3'
Protein context (NP_004521.1, residues 7-27): RGALTGPLRA[Leu17=]CLLGCLLSHA